The following is an entry in ClinVar:

NM_002485.5(NBN):c.1533_1534del (p.Asn511fs)

Gene: NBN (nibrin; minus strand). Cytogenetic location: 8q21.3.
Variant type: Deletion.
Coding change: c.1533_1534del on transcript NM_002485.5 (MANE Select); coding-DNA positions 1533 to 1534, 2 bases deleted (TG; older notation c.1533_1534delTG).
Protein change: p.Asn511fs; shifts the reading frame from asparagine 511.
Molecular consequence: frameshift variant.
Genome position (GRCh38, 1-based): chr8:89,953,555-89,953,556, CA deleted on the plus strand (TG on the coding strand, the reverse complement: NBN is on the minus strand). VCF-style (leftmost placement, unchanged base first): chr8-89953554-TCA-T. GRCh37 (hg19) VCF-style: chr8-90965782-TCA-T.
Other names: c.1287_1288del, p.Asn429fs (NM_001024688.3); c.1533_1534delTG (NM_002485.5); short protein forms N429fs, N511fs.
Identifiers: ClinVar variation 3366333 (VCV003366333.1).

ClinVar aggregate classification (germline): Pathogenic (1 of 4 stars; one submission).

Conditions:
Microcephaly, normal intelligence and immunodeficiency (NBS). Also called: SEEMANOVA SYNDROME II; Nijmegen breakage syndrome; Ataxia telangiectasia variant V1; IMMUNODEFICIENCY, MICROCEPHALY, AND CHROMOSOMAL INSTABILITY; Immunodeficiency, microcephaly with normal intelligence; Microcephaly with normal intelligence immunodeficiency and lymphoreticular malignancies. Identifiers: Orphanet 647, MedGen C0398791, MONDO:0009623, OMIM 251260.

Submission:

Women's Health and Genetics/Laboratory Corporation of America, LabCorp
Classification: Pathogenic for Microcephaly, normal intelligence and immunodeficiency. Last evaluated: 2024-08-12. Review status: criteria provided, single submitter. Criteria: LabCorp Variant Classification Summary - May 2015. Collection method: clinical testing. Allele origin: germline.
Comment: Variant summary: NBN c.1533_1534delTG (p.Asn511LysfsX10) results in a premature termination codon, predicted to cause a truncation of the encoded protein or absence of the protein due to nonsense mediated decay, which are commonly known mechanisms for disease. The variant was absent in 251054 control chromosomes. To our knowledge, no occurrence of c.1533_1534delTG in individuals affected with Nijmegen Breakage Syndrome and no experimental evidence demonstrating its impact on protein function have been reported. No submitters have cited clinical-significance assessments for this variant to ClinVar. Based on the evidence outlined above, the variant was classified as pathogenic.